The following is an entry in ClinVar:

ClinVar aggregate classification (germline): Uncertain significance (1 of 4 stars; one submission).

gnomAD v4.1: 3 of 1,613,994 alleles (0.00019%); highest among the groups gnomAD compares: South Asian, 0.0011%; no homozygotes.

Submission:

Ambry Genetics
Classification: Uncertain significance. Last evaluated: 2026-04-22. Review status: criteria provided, single submitter. Criteria: Ambry Variant Classification Scheme 2023. Collection method: clinical testing. Allele origin: germline.
Comment: The p.G533R variant (also known as c.1597G>A), located in coding exon 9 of the PALLD gene, results from a G to A substitution at nucleotide position 1597. The glycine at codon 533 is replaced by arginine, an amino acid with dissimilar properties. This amino acid position is conserved. In addition, this alteration is predicted to be tolerated by in silico analysis. Based on the available evidence, the clinical significance of this variant remains unclear.

NM_001166108.2(PALLD):c.3109G>A (p.Gly1037Arg)

Genes: CBR4 (carbonyl reductase 4; minus strand), PALLD (palladin, cytoskeletal associated protein; plus strand). Cytogenetic location: 4q32.3.
Variant type: single nucleotide variant.
Coding change: c.3109G>A on transcript NM_001166108.2 (MANE Select); coding-DNA position 3109, G replaced by A.
Protein change: p.Gly1037Arg; replaces glycine 1037 with arginine.
Molecular consequence: missense variant.
Genome position (GRCh38, 1-based): chr4:168,924,305, G>A. VCF-style: chr4-168924305-G-A. GRCh37 (hg19) VCF-style: chr4-169845456-G-A.
Other names: c.1912G>A, p.Gly638Arg (NM_001166109.2); c.1597G>A, p.Gly533Arg (NM_001166110.2); c.937G>A, p.Gly313Arg (NM_001367567.1, NM_001367569.1); c.988G>A, p.Gly330Arg (NM_001367568.1, NM_001367570.1); c.3058G>A, p.Gly1020Arg (NM_016081.4); short protein forms G1020R, G1037R, G313R, G330R, G533R, G638R.
Identifiers: ClinVar variation 4861541 (VCV004861541.1).